The following is an entry in ClinVar:

NM_003054.6(SLC18A2):c.625A>G (p.Ser209Gly)

Gene: SLC18A2 (solute carrier family 18 member A2; plus strand). Cytogenetic location: 10q25.3.
Variant type: single nucleotide variant.
Coding change: c.625A>G on transcript NM_003054.6 (MANE Select); coding-DNA position 625, A replaced by G.
Protein change: p.Ser209Gly; replaces serine 209 with glycine.
Molecular consequence: missense variant.
Genome position (GRCh38, 1-based): chr10:117,254,422, A>G. VCF-style: chr10-117254422-A-G. GRCh37 (hg19) VCF-style: chr10-119013933-A-G.
Other names: short protein forms S209G.
Identifiers: ClinVar variation 2135082 (VCV002135082.4), dbSNP rs2493539962, ClinGen allele CA378512100.

ClinVar aggregate classification (germline): Uncertain significance (1 of 4 stars; one submission).

Submission:

Labcorp Genetics (formerly Invitae), Labcorp
Classification: Uncertain significance. Last evaluated: 2022-05-07. Review status: criteria provided, single submitter. Criteria: Invitae Variant Classification Sherloc (09022015). Collection method: clinical testing. Allele origin: germline.
Comment: This sequence change replaces serine, which is neutral and polar, with glycine, which is neutral and non-polar, at codon 209 of the SLC18A2 protein (p.Ser209Gly). This variant is not present in population databases (gnomAD no frequency). This variant has not been reported in the literature in individuals affected with SLC18A2-related conditions. Algorithms developed to predict the effect of missense changes on protein structure and function are either unavailable or do not agree on the potential impact of this missense change (SIFT: "Tolerated"; PolyPhen-2: "Possibly Damaging"; Align-GVGD: "Class C0"). In summary, the available evidence is currently insufficient to determine the role of this variant in disease. Therefore, it has been classified as a Variant of Uncertain Significance.